The following is an entry in ClinVar:

ClinVar aggregate classification (germline): Likely pathogenic (1 of 4 stars; one submission).

Conditions:
Nephronophthisis 20 (NPHP20). Identifiers: MedGen C4310640, MONDO:0014997, OMIM 617271.

Submission:

First Genomix Gene Laboratory, Genetic Diagnostics Department
Classification: Likely pathogenic for Nephronophthisis 20. Last evaluated: 2025-08-26. Review status: criteria provided, single submitter. Criteria: ACMG Guidelines, 2015. Collection method: clinical testing. Allele origin: germline. Inheritance: Autosomal recessive inheritance. Affected: no. Observed: 1 variant allele.

NM_014994.3(MAPKBP1):c.3428del (p.Pro1143fs)

Gene: MAPKBP1 (mitogen-activated protein kinase binding protein 1; plus strand). Cytogenetic location: 15q15.1.
Variant type: Deletion.
Coding change: c.3428del on transcript NM_014994.3 (MANE Select); coding-DNA position 3428, one base deleted (C; older notation c.3428delC).
Protein change: p.Pro1143fs; shifts the reading frame from proline 1143.
Molecular consequence: frameshift variant. On other transcripts: non-coding transcript variant (2), intron variant (1).
Genome position (GRCh38, 1-based): chr15:41,823,052, C deleted; the last of 5 consecutive C bases (chr15:41,823,048-41,823,052); deleting any one gives the same sequence. VCF-style (leftmost placement, unchanged base first): chr15-41823047-AC-A. GRCh37 (hg19) VCF-style: chr15-42115245-AC-A.
Other names: c.3446delC (NM_001128608.2); c.3446del, p.Pro1149fs (NM_001128608.2); c.3382+46del (NM_001265611.2); short protein forms P1143fs, P1149fs.
Identifiers: ClinVar variation 4850230 (VCV004850230.1).